The following is an entry in ClinVar:

NM_001099274.3(TINF2):c.193-1G>A

Gene: TINF2 (TERF1 interacting nuclear factor 2; minus strand). Cytogenetic location: 14q12.
Variant type: single nucleotide variant.
Coding change: c.193-1G>A on transcript NM_001099274.3 (MANE Select); the canonical splice acceptor site of the intron before coding-DNA position 193, G replaced by A.
Molecular consequence: splice acceptor variant. On other transcripts: intron variant (1).
Genome position (GRCh38, 1-based): chr14:24,241,995, C>T on the plus strand (G>A on the coding strand, the complement: TINF2 is on the minus strand). VCF-style: chr14-24241995-C-T. GRCh37 (hg19) VCF-style: chr14-24711201-C-T.
Other names: c.193-1G>A (NM_012461.3); c.192+146G>A (NM_001363668.2).
Identifiers: ClinVar variation 3390019 (VCV003390019.14).

ClinVar aggregate classification (germline): Uncertain significance (1 of 4 stars; one submission).

Submission:

CeGaT Center for Human Genetics Tuebingen
Classification: Uncertain significance. Last evaluated: 2024-11-01. Review status: criteria provided, single submitter. Criteria: CeGaT Center For Human Genetics Tuebingen Variant Classification Criteria Version 2. Collection method: clinical testing. Allele origin: germline. Affected: yes. Observed: 2 variant alleles.
Comment: TINF2: PM2, PP3